The following is an entry in ClinVar:

ClinVar aggregate classification (germline): Likely benign. Review status: criteria provided, multiple submitters, no conflicts (2 of 4 stars). 4 submissions from 3 submitters: Likely benign (4). Last evaluated 2024-07-06.

Conditions:
Familial cutaneous telangiectasia and oropharyngeal predisposition cancer syndrome. Identifiers: Orphanet 313846, MedGen C3281203, MONDO:0013806, OMIM 614564.
Seckel syndrome 1 (SCKL1). Also called: MICROCEPHALIC PRIMORDIAL DWARFISM I. Identifiers: Orphanet 808, MedGen C4551474, MONDO:0008869, OMIM 210600.

Allele frequency attached by ClinVar (database versions not stated): ExAC 0.00005; 1000 Genomes Project 0.00020; 1000 Genomes Project 30x 0.00031; gnomAD below 0.00001 and 0.00002; gnomAD exomes 0.00001 and 0.00004; TOPMed 0.00001.
gnomAD v4.1: 17 of 1,486,514 alleles (0.0011%); highest among the groups gnomAD compares: South Asian, 0.015%; no homozygotes.

Submissions (4):

Labcorp Genetics (formerly Invitae), Labcorp
Classification: Likely benign. Last evaluated: 2024-07-06. Review status: criteria provided, single submitter. Criteria: Invitae Variant Classification Sherloc (09022015). Collection method: clinical testing. Allele origin: germline.

Genome-Nilou Lab
Classification: Likely benign for Seckel syndrome 1. Last evaluated: 2023-02-08. Review status: criteria provided, single submitter. Criteria: ACMG Guidelines, 2015. Collection method: clinical testing. Allele origin: germline.

Genome-Nilou Lab
Classification: Likely benign for Familial cutaneous telangiectasia and oropharyngeal predisposition cancer syndrome. Last evaluated: 2023-02-08. Review status: criteria provided, single submitter. Criteria: ACMG Guidelines, 2015. Collection method: clinical testing. Allele origin: germline.

GeneDx
Classification: Likely benign. Last evaluated: 2017-12-22. Review status: criteria provided, single submitter. Criteria: GeneDx Variant Classification (06012015). Collection method: clinical testing. Allele origin: germline. Affected: yes.
Comment: This variant is considered likely benign or benign based on one or more of the following criteria: it is a conservative change, it occurs at a poorly conserved position in the protein, it is predicted to be benign by multiple in silico algorithms, and/or has population frequency not consistent with disease.

NM_001184.4(ATR):c.3171+19A>G

Gene: ATR (ATR checkpoint kinase; minus strand). Cytogenetic location: 3q23.
Variant type: single nucleotide variant.
Coding change: c.3171+19A>G on transcript NM_001184.4 (MANE Select); 19 bases into the intron after coding-DNA position 3171, A replaced by G.
Molecular consequence: intron variant.
Genome position (GRCh38, 1-based): chr3:142,549,460, T>C on the plus strand (A>G on the coding strand, the complement: ATR is on the minus strand). VCF-style: chr3-142549460-T-C. GRCh37 (hg19) VCF-style: chr3-142268302-T-C.
Other names: c.2979+19A>G (NM_001354579.2).
Identifiers: ClinVar variation 514178 (VCV000514178.9), dbSNP rs575077685, ClinGen allele CA2650196.